The following is an entry in ClinVar:

ClinVar aggregate classification (germline): Uncertain significance (1 of 4 stars; one submission).

Conditions:
Incidental Discovery. Identifiers: MedGen C1135954.

gnomAD v4.1: 3 of 1,201,372 alleles (0.00025%); highest among the groups gnomAD compares: Non-Finnish European, 0.00034%; no homozygotes.

Submission:

Clinical Genetics Laboratory, Skane University Hospital Lund
Classification: Uncertain significance for Incidental Discovery. Last evaluated: 2026-06-23. Review status: criteria provided, single submitter. Criteria: ACMG Guidelines, 2015. Collection method: clinical testing. Allele origin: maternal. Inheritance: X-linked inheritance.
Comment: Variant not in gnomAD v.4.1.1. Splicing prediction benign (SpliceAI ≤0.1). Applied ACMG criteria: PM2, BP4.

NM_000444.6(PHEX):c.1302+4A>C

Gene: PHEX (phosphate regulating endopeptidase X-linked; plus strand). Cytogenetic location: Xp22.11.
Variant type: single nucleotide variant.
Coding change: c.1302+4A>C on transcript NM_000444.6 (MANE Select); 4 bases into the intron after coding-DNA position 1302, A replaced by C.
Molecular consequence: intron variant.
Genome position (GRCh38, 1-based): chrX:22,114,590, A>C. VCF-style: chrX-22114590-A-C. GRCh37 (hg19) VCF-style: chrX-22132708-A-C.
Other names: c.1302+4A>C (NM_001282754.2).
Identifiers: ClinVar variation 4890867 (VCV004890867.1).